The following is an entry in ClinVar:

ClinVar aggregate classification (germline): other (0 of 4 stars; one submission).

Conditions:
Familial colorectal cancer. Identifiers: MedGen CN280943, MONDO:0023113. Disease mechanism: loss of function.

Allele frequency attached by ClinVar (database versions not stated): TOPMed below 0.00001.

Submission:

Systems Biology Platform Zhejiang California International NanoSystems Institute
Classification: other for Familial colorectal cancer. Review status: no assertion criteria provided. Collection method: not provided. Allele origin: unknown.
ClinVar note: Converted during submission from cancer to other.

NM_001127511.3(APC):c.165+20046C>T

Gene: APC (APC regulator of Wnt signaling pathway; plus strand). Cytogenetic location: 5q22.2.
Variant type: single nucleotide variant.
Coding change: c.165+20046C>T on transcript NM_001127511.3; 20046 bases into the intron after coding-DNA position 165, C replaced by T.
Molecular consequence: intron variant.
Genome position (GRCh38, 1-based): chr5:112,727,928, C>T. VCF-style: chr5-112727928-C-T. GRCh37 (hg19) VCF-style: chr5-112063625-C-T.
Other names: c.-1054+20046C>T (NM_001407470.1, NM_001407472.1); c.-19+20046C>T (NM_001407447.1, NM_001354895.2, NM_001407456.1 and 3 more transcripts); c.165+20046C>T (NM_001407446.1, NM_001354897.2, NM_001354902.2); c.-19+20279C>T (NM_001407448.1, NM_001407450.1, NM_001407457.1 and 1 more transcripts); c.-43+20279C>T (NM_001407453.1).
Identifiers: ClinVar variation 82698 (VCV000082698.4), dbSNP rs80171990, ClinGen allele CA023464.